The following is an entry in ClinVar:

ClinVar aggregate classification (germline): Pathogenic/Likely pathogenic. Review status: criteria provided, multiple submitters, no conflicts (2 of 4 stars). 6 submissions from 6 submitters: Pathogenic (5); Likely pathogenic (1). Last evaluated 2025-11-27.

Conditions:
Hereditary cancer-predisposing syndrome. Also called: Hereditary neoplastic syndrome; Neoplastic Syndromes, Hereditary; Tumor predisposition; Hereditary Cancer Syndrome. Identifiers: Orphanet 140162, MedGen C0027672, MeSH D009386, MONDO:0015356.
Familial cancer of breast. Also called: BREAST CANCER, FAMILIAL; Hereditary breast cancer; hereditary breast carcinoma. Identifiers: Orphanet 227535, MedGen C0346153, MONDO:0016419, OMIM 114480. Disease mechanism: loss of function.
PALB2-related cancer predisposition. Identifiers: MedGen CN377761, MONDO:0700272.

Submissions (6):

Labcorp Genetics (formerly Invitae), Labcorp
Classification: Pathogenic for Familial cancer of breast. Last evaluated: 2025-11-27. Review status: criteria provided, single submitter. Criteria: Invitae Variant Classification Sherloc (09022015). Collection method: clinical testing. Allele origin: germline.
Comment: This sequence change creates a premature translational stop signal (p.Cys891*) in the PALB2 gene. It is expected to result in an absent or disrupted protein product. Loss-of-function variants in PALB2 are known to be pathogenic (PMID: 17200668, 17200671, 17200672, 24136930, 25099575). This variant is not present in population databases (gnomAD no frequency). This variant has not been reported in the literature in individuals affected with PALB2-related conditions. ClinVar contains an entry for this variant (Variation ID: 492195). Algorithms developed to predict the effect of sequence changes on RNA splicing suggest that this variant may disrupt the consensus splice site. For these reasons, this variant has been classified as Pathogenic.

Division of Genetic & Genomic Pathology, Hong Kong Children's Hospital
Classification: Likely pathogenic for PALB2-related cancer predisposition. Last evaluated: 2025-10-14. Review status: criteria provided, single submitter. Criteria: ACMG Guidelines, 2015. Collection method: clinical testing. Allele origin: germline. Affected: yes.
Comment: PALB2 c.2673C>A p.(Cys891*) is a nonsense variant in exon 7 of 13 of the PALB2 gene. This variant is predicted to create a premature stop codon, causing loss of normal protein function either by protein truncation or by nonsense-mediated mRNA decay. The variant is absent in population control databases (gnomAD v2.1.1 and v4.1.0), and has been submitted as pathogenic to ClinVar by multiple submitters (VCV000492195.11). Individuals with hereditary cancer syndromes have been reported with this variant (PMIDs: 38201513, 38350919). For these reasons, PALB2 c.2673C>A p.(Cys891*) is likely pathogenic.

Ambry Genetics
Classification: Pathogenic for Hereditary cancer-predisposing syndrome. Last evaluated: 2025-06-10. Review status: criteria provided, single submitter. Criteria: Ambry Variant Classification Scheme 2023. Collection method: clinical testing. Allele origin: germline.
Comment: The p.C891* pathogenic mutation (also known as c.2673C>A), located in coding exon 7 of the PALB2 gene, results from a C to A substitution at nucleotide position 2673. This changes the amino acid from a cysteine to a stop codon within coding exon 7. This alteration is expected to result in loss of function by premature protein truncation or nonsense-mediated mRNA decay. This variant is considered to be rare based on population cohorts in the Genome Aggregation Database (gnomAD). As such, this alteration is interpreted as a disease-causing mutation.

Molecular Pathology, Peter Maccallum Cancer Centre
Classification: Pathogenic for Familial cancer of breast. Last evaluated: 2024-06-24. Review status: criteria provided, single submitter. Criteria: ACMG Guidelines, 2015. Collection method: clinical testing. Allele origin: germline. Inheritance: Autosomal dominant inheritance.

Myriad Genetics, Inc.
Classification: Pathogenic for Familial cancer of breast. Last evaluated: 2023-09-13. Review status: criteria provided, single submitter. Criteria: Myriad Autosomal Dominant, Autosomal Recessive and X-Linked Classification Criteria (2023). Collection method: clinical testing. Allele origin: unknown.
Comment: This variant is considered pathogenic. This variant creates a termination codon and is predicted to result in premature protein truncation.

Color Diagnostics, LLC DBA Color Health
Classification: Pathogenic for Hereditary cancer-predisposing syndrome. Last evaluated: 2022-03-14. Review status: criteria provided, single submitter. Criteria: ACMG Guidelines, 2015. Collection method: clinical testing. Allele origin: germline.
Comment: This variant changes 1 nucleotide in exon 7 of the PALB2 gene, creating a premature translation stop signal. This variant is expected to result in an absent or non-functional protein product. This variant has been reported in 1 individual affected breast cancer (PMID: 33471991; Leiden Open Variation Database DB-ID PALB2_010857). This variant has not been identified in the general population by the Genome Aggregation Database (gnomAD). Loss of PALB2 function is a known mechanism of disease. Based on the available evidence, this variant is classified as Pathogenic.

Literature cited by the submitters: PubMed 17200668 (cited by Labcorp Genetics (formerly Invitae), Labcorp); PubMed 17200671 (cited by Labcorp Genetics (formerly Invitae), Labcorp); PubMed 17200672 (cited by Labcorp Genetics (formerly Invitae), Labcorp); PubMed 24136930 (cited by Labcorp Genetics (formerly Invitae), Labcorp); PubMed 25099575 (cited by Labcorp Genetics (formerly Invitae), Labcorp); PubMed 38201513 (cited by Division of Genetic & Genomic Pathology, Hong Kong Children's Hospital); PubMed 38350919 (cited by Division of Genetic & Genomic Pathology, Hong Kong Children's Hospital); PubMed 33471991 (cited by Color Diagnostics, LLC DBA Color Health).

NM_024675.4(PALB2):c.2673C>A (p.Cys891Ter)

Gene: PALB2 (partner and localizer of BRCA2; minus strand). Cytogenetic location: 16p12.2.
Variant type: single nucleotide variant.
Coding change: c.2673C>A on transcript NM_024675.4 (MANE Select); coding-DNA position 2673, C replaced by A.
Protein change: p.Cys891Ter; replaces cysteine 891 with a stop codon.
Molecular consequence: nonsense.
Genome position (GRCh38, 1-based): chr16:23,626,311, G>T on the plus strand (C>A on the coding strand, the complement: PALB2 is on the minus strand). VCF-style: chr16-23626311-G-T. GRCh37 (hg19) VCF-style: chr16-23637632-G-T.
Other names: short protein forms C891*.
Identifiers: ClinVar variation 492195 (VCV000492195.13), dbSNP rs78179744, ClinGen allele CA395122040.
Genomic context (GRCh38, chr16:23,626,311, plus strand): 5'-GGTATAAAGTTTTTCCCACTGCCAAGCATCCAGAGCTTTCCAAAGAGAAACTACATCTTC[G>T]CAAGCAGTTATGATACATGGCTCTTTACAACCGGCTCTTTCCCAAAACATGGCACTCACA-3'